The following is an entry in ClinVar:

NM_014365.3(HSPB8):c.354C>G (p.Tyr118Ter)

Gene: HSPB8 (heat shock protein family B (small) member 8; plus strand). Cytogenetic location: 12q24.23.
Variant type: single nucleotide variant.
Coding change: c.354C>G on transcript NM_014365.3 (MANE Select); coding-DNA position 354, C replaced by G.
Protein change: p.Tyr118Ter; replaces tyrosine 118 with a stop codon.
Molecular consequence: nonsense.
Genome position (GRCh38, 1-based): chr12:119,179,666, C>G. VCF-style: chr12-119179666-C-G. GRCh37 (hg19) VCF-style: chr12-119617471-C-G.
Other names: short protein forms Y118*.
Identifiers: ClinVar variation 1732564 (VCV001732564.2), dbSNP rs374476577, ClinGen allele CA386526340.

ClinVar aggregate classification (germline): Uncertain significance (1 of 4 stars; one submission).

Conditions:
Inborn genetic diseases. Identifiers: MedGen C0950123, MeSH D030342.

gnomAD v4.1: 1 of 1,581,570 alleles (0.000063%); highest among the groups gnomAD compares: Non-Finnish European, 0.000086%; no homozygotes.

Submission:

Ambry Genetics
Classification: Uncertain significance for Inborn genetic diseases. Last evaluated: 2020-10-27. Review status: criteria provided, single submitter. Criteria: Ambry Variant Classification Scheme 2023. Collection method: clinical testing. Allele origin: germline.
Comment: The p.Y118* variant (also known as c.354C>G), located in coding exon 1 of the HSPB8 gene, results from a C to G substitution at nucleotide position 354. This changes the amino acid from a tyrosine to a stop codon within coding exon 1. This alteration is expected to result in premature protein truncation or nonsense-mediated mRNA decay. However, loss of function of HSPB8 is not established as a mechanism of disease. Since supporting evidence is limited at this time, the clinical significance of this alteration remains unclear.